The following is an entry in ClinVar:

NM_000053.4(ATP7B):c.-2C>T

Gene: ATP7B (ATPase copper transporting beta; minus strand). Cytogenetic location: 13q14.3.
Variant type: single nucleotide variant.
Coding change: c.-2C>T on transcript NM_000053.4 (MANE Select); 2 bases upstream of the start codon, C replaced by T.
Molecular consequence: 5 prime UTR variant.
Genome position (GRCh38, 1-based): chr13:52,011,339, G>A on the plus strand (C>T on the coding strand, the complement: ATP7B is on the minus strand). VCF-style: chr13-52011339-G-A. GRCh37 (hg19) VCF-style: chr13-52585475-G-A.
Other names: c.-2C>T (NM_001406531.1, NM_001406532.1, NM_001406534.1 and 30 more transcripts); c.-131C>T (NM_001406539.1, NM_001406543.1); c.-189C>T (NM_001406518.1).
Identifiers: ClinVar variation 3073110 (VCV003073110.1), dbSNP rs2547324470, ClinGen allele CA2575420878.
Genomic context (GRCh38, chr13:52,011,339, plus strand): 5'-AAACTCACTTTCCGACTGGCCCCTTCTCTGGCTGTGATCTGTCTCTCCTGCTCAGGCATC[G>A]TCCCGCACGGACACCGAATTCTTCTCTGATCTGGCTCAGAGCAAAAGGTCACCTGGTCGG-3'

ClinVar aggregate classification (germline): Uncertain significance (1 of 4 stars; one submission).

Conditions:
Wilson disease (WND). Also called: Wilson's disease. Identifiers: Orphanet 905, MedGen C0019202, MONDO:0010200, OMIM 277900. Disease mechanism: loss of function.

Submission:

All of Us Research Program, National Institutes of Health
Classification: Uncertain significance for Wilson disease. Last evaluated: 2023-08-23. Review status: criteria provided, single submitter. Criteria: ACMG Guidelines, 2015. Collection method: clinical testing. Allele origin: germline. Inheritance: Autosomal recessive inheritance. Observed: 1 variant allele, 1 heterozygote.
Comment: This variant is located in the 5' untranslated region of the ATP7B gene. To our knowledge, functional studies have not been reported for this variant. This variant has not been reported in individuals affected with ATP7B-related disorders in the literature. This variant has not been identified in the general population by the Genome Aggregation Database (gnomAD). The available evidence is insufficient to determine the role of this variant in disease conclusively. Therefore, this variant is classified as a Variant of Uncertain Significance.

This study involves interpretation of variants in research participants for the purpose of population health screening. Participant phenotype was not available at the time of variant classification. Additional details can be found in publication PMID: 35346344, PMCID: PMC8962531